The following is an entry in ClinVar:

ClinVar aggregate classification (germline): Uncertain significance (1 of 4 stars; one submission).

Conditions:
Primary ciliary dyskinesia. Also called: Ciliary dyskinesia. Identifiers: Orphanet 244, MedGen C0008780, MONDO:0016575, HP:0012265.

gnomAD v4.1: 9 of 1,613,882 alleles (0.00056%); highest among the groups gnomAD compares: Non-Finnish European, 0.00076%; no homozygotes.

Submission:

Labcorp Genetics (formerly Invitae), Labcorp
Classification: Uncertain significance for Primary ciliary dyskinesia. Last evaluated: 2021-10-27. Review status: criteria provided, single submitter. Criteria: Invitae Variant Classification Sherloc (09022015). Collection method: clinical testing. Allele origin: germline.
Comment: This sequence change replaces threonine, which is neutral and polar, with asparagine, which is neutral and polar, at codon 1704 of the DNAH5 protein (p.Thr1704Asn). This variant is not present in population databases (gnomAD no frequency). This variant has not been reported in the literature in individuals affected with DNAH5-related conditions. Advanced modeling of protein sequence and biophysical properties (such as structural, functional, and spatial information, amino acid conservation, physicochemical variation, residue mobility, and thermodynamic stability) performed at Invitae indicates that this missense variant is not expected to disrupt DNAH5 protein function. In summary, the available evidence is currently insufficient to determine the role of this variant in disease. Therefore, it has been classified as a Variant of Uncertain Significance.

NM_001369.3(DNAH5):c.5111C>A (p.Thr1704Asn)

Gene: DNAH5 (dynein axonemal heavy chain 5; minus strand). Cytogenetic location: 5p15.2.
Variant type: single nucleotide variant.
Coding change: c.5111C>A on transcript NM_001369.3 (MANE Select); coding-DNA position 5111, C replaced by A.
Protein change: p.Thr1704Asn; replaces threonine 1704 with asparagine.
Molecular consequence: missense variant.
Genome position (GRCh38, 1-based): chr5:13,850,655, G>T on the plus strand (C>A on the coding strand, the complement: DNAH5 is on the minus strand). VCF-style: chr5-13850655-G-T. GRCh37 (hg19) VCF-style: chr5-13850764-G-T.
Other names: short protein forms T1704N.
Identifiers: ClinVar variation 1439908 (VCV001439908.3), dbSNP rs1427029408, ClinGen allele CA359216363.
Genomic context (GRCh38, chr5:13,850,655, plus strand): 5'-CCCTGTATCCTTTTGTCTCAAGGATACCGAGAGCTTTCAAAGAGCCAGTGAACTTACCCA[G>T]TAAGGGATTTCTGGCATATTTCCAACTGGTCCAGCAAGTGTGGTAACAGCTGCCCCAGGG-3'
Protein context (NP_001360.1, residues 1694-1714): DQLEICQKSL[Thr1704Asn]GYLEKKRLCF